The following is an entry in ClinVar:

NM_000083.3(CLCN1):c.2343del (p.Thr782fs)

Gene: CLCN1 (chloride voltage-gated channel 1; plus strand). Cytogenetic location: 7q34.
Variant type: Deletion.
Coding change: c.2343del on transcript NM_000083.3 (MANE Select); coding-DNA position 2343, one base deleted (C; older notation c.2343delC).
Protein change: p.Thr782fs; shifts the reading frame from threonine 782.
Molecular consequence: frameshift variant. On other transcripts: non-coding transcript variant (1).
Genome position (GRCh38, 1-based): chr7:143,346,637, C deleted; the last of 4 consecutive C bases (chr7:143,346,634-143,346,637); deleting any one gives the same sequence. VCF-style (leftmost placement, unchanged base first): chr7-143346633-GC-G. GRCh37 (hg19) VCF-style: chr7-143043726-GC-G.
Other names: short protein forms T782fs.
Identifiers: ClinVar variation 2943958 (VCV002943958.3), dbSNP rs2485437743, ClinGen allele CA2740094934.

ClinVar aggregate classification (germline): Pathogenic (1 of 4 stars; one submission).

Conditions:
Congenital myotonia, autosomal dominant form (THD). Also called: THOMSEN DISEASE; Myotonia congenita autosomal dominant. Identifiers: Orphanet 614, MedGen C2936781, MONDO:0008055, OMIM 160800.
Congenital myotonia, autosomal recessive form. Also called: BECKER DISEASE; Becker Generalized Myotonia; myotonia congenita, autosomal recessive. Identifiers: Orphanet 614, MedGen C0751360, MONDO:0009715, OMIM 255700.

Submission:

Labcorp Genetics (formerly Invitae), Labcorp
Classification: Pathogenic for Congenital myotonia, autosomal recessive form; Congenital myotonia, autosomal dominant form. Last evaluated: 2023-02-04. Review status: criteria provided, single submitter. Criteria: Invitae Variant Classification Sherloc (09022015). Collection method: clinical testing. Allele origin: germline.
Comment: This variant is not present in population databases (gnomAD no frequency). For these reasons, this variant has been classified as Pathogenic. This variant has not been reported in the literature in individuals affected with CLCN1-related conditions. This sequence change creates a premature translational stop signal (p.Thr782Glnfs*12) in the CLCN1 gene. It is expected to result in an absent or disrupted protein product. Loss-of-function variants in CLCN1 are known to be pathogenic (PMID: 17932099, 22094069, 23739125).

Literature cited by the submitters: PubMed 17932099; PubMed 22094069; PubMed 23739125.